The following is an entry in ClinVar:

ClinVar aggregate classification (germline): Likely benign (1 of 4 stars; one submission).

gnomAD v4.1: 2 of 1,211,517 alleles (0.00017%); highest among the groups gnomAD compares: Non-Finnish European, 0.00022%; no homozygotes.

Submission:

CeGaT Center for Human Genetics Tuebingen
Classification: Likely benign. Last evaluated: 2025-12-01. Review status: criteria provided, single submitter. Criteria: CeGaT Center For Human Genetics Tuebingen Variant Classification Criteria Version 2. Collection method: clinical testing. Allele origin: germline. Affected: yes. Observed: 1 variant allele.
Comment: L1CAM: BP4

NM_001278116.2(L1CAM):c.2583C>T (p.His861=)

Gene: L1CAM (L1 cell adhesion molecule; minus strand). Cytogenetic location: Xq28.
Variant type: single nucleotide variant.
Coding change: c.2583C>T on transcript NM_001278116.2 (MANE Select); coding-DNA position 2583, C replaced by T.
Protein change: p.His861=; no amino-acid change (histidine 861 retained).
Molecular consequence: synonymous variant.
Genome position (GRCh38, 1-based): chrX:153,865,465, G>A on the plus strand (C>T on the coding strand, the complement: L1CAM is on the minus strand). VCF-style: chrX-153865465-G-A. GRCh37 (hg19) VCF-style: chrX-153130920-G-A.
Other names: c.2583C>T, p.His861= (NM_000425.5, NM_024003.3); c.2568C>T, p.His856= (NM_001143963.2).
Identifiers: ClinVar variation 4534739 (VCV004534739.6).